The following is an entry in ClinVar:

ClinVar aggregate classification (germline): Uncertain significance (1 of 4 stars; one submission).

gnomAD v4.1: 1 of 1,592,972 alleles (0.000063%); highest among the groups gnomAD compares: Non-Finnish European, 0.000086%; no homozygotes.

Submission:

Labcorp Genetics (formerly Invitae), Labcorp
Classification: Uncertain significance. Last evaluated: 2022-03-29. Review status: criteria provided, single submitter. Criteria: Invitae Variant Classification Sherloc (09022015). Collection method: clinical testing. Allele origin: germline.
Comment: In summary, the available evidence is currently insufficient to determine the role of this variant in disease. Therefore, it has been classified as a Variant of Uncertain Significance. Algorithms developed to predict the effect of missense changes on protein structure and function (SIFT, PolyPhen-2, Align-GVGD) all suggest that this variant is likely to be tolerated. This variant has not been reported in the literature in individuals affected with C3-related conditions. This variant is not present in population databases (gnomAD no frequency). This sequence change replaces leucine, which is neutral and non-polar, with valine, which is neutral and non-polar, at codon 744 of the C3 protein (p.Leu744Val).

NM_000064.4(C3):c.2230C>G (p.Leu744Val)

Gene: C3 (complement C3; minus strand). Cytogenetic location: 19p13.3.
Variant type: single nucleotide variant.
Coding change: c.2230C>G on transcript NM_000064.4 (MANE Select); coding-DNA position 2230, C replaced by G.
Protein change: p.Leu744Val; replaces leucine 744 with valine.
Molecular consequence: missense variant.
Genome position (GRCh38, 1-based): chr19:6,707,091, G>C on the plus strand (C>G on the coding strand, the complement: C3 is on the minus strand). VCF-style: chr19-6707091-G-C. GRCh37 (hg19) VCF-style: chr19-6707102-G-C.
Other names: short protein forms L744V.
Identifiers: ClinVar variation 2119469 (VCV002119469.4), dbSNP rs2512257879, ClinGen allele CA403636738.